The following is an entry in ClinVar:

NM_005051.3(QARS1):c.455A>C (p.Glu152Ala)

Gene: QARS1 (glutaminyl-tRNA synthetase 1; minus strand). Cytogenetic location: 3p21.31.
Variant type: single nucleotide variant.
Coding change: c.455A>C on transcript NM_005051.3 (MANE Select); coding-DNA position 455, A replaced by C.
Protein change: p.Glu152Ala; replaces glutamic acid 152 with alanine.
Molecular consequence: missense variant. On other transcripts: non-coding transcript variant (1).
Genome position (GRCh38, 1-based): chr3:49,103,406, T>G on the plus strand (A>C on the coding strand, the complement: QARS1 is on the minus strand). VCF-style: chr3-49103406-T-G. GRCh37 (hg19) VCF-style: chr3-49140839-T-G.
Other names: c.422A>C, p.Glu141Ala (NM_001272073.2); short protein forms E152A, E141A.
Identifiers: ClinVar variation 1426572 (VCV001426572.8), dbSNP rs2042496370, ClinGen allele CA352719017.

ClinVar aggregate classification (germline): Uncertain significance (1 of 4 stars; one submission).

Conditions:
Diffuse cerebral and cerebellar atrophy - intractable seizures - progressive microcephaly syndrome. Also called: Microcephaly, progressive, with seizures and cerebral and cerebellar atrophy. Identifiers: Orphanet 404437, MedGen C4014239, MONDO:0014335, OMIM 615760.

Allele frequency attached by ClinVar (database versions not stated): gnomAD exomes below 0.00001; TOPMed below 0.00001.
gnomAD v4.1: 1 of 1,614,012 alleles (0.000062%); highest among the groups gnomAD compares: Non-Finnish European, 0.000085%; no homozygotes.

Submission:

Labcorp Genetics (formerly Invitae), Labcorp
Classification: Uncertain significance for Diffuse cerebral and cerebellar atrophy - intractable seizures - progressive microcephaly syndrome. Last evaluated: 2021-07-10. Review status: criteria provided, single submitter. Criteria: Invitae Variant Classification Sherloc (09022015). Collection method: clinical testing. Allele origin: germline.
Comment: This sequence change replaces glutamic acid with alanine at codon 152 of the QARS protein (p.Glu152Ala). The glutamic acid residue is highly conserved and there is a moderate physicochemical difference between glutamic acid and alanine. This variant is not present in population databases (ExAC no frequency). This variant has not been reported in the literature in individuals affected with QARS-related conditions. Algorithms developed to predict the effect of missense changes on protein structure and function (SIFT, PolyPhen-2, Align-GVGD) all suggest that this variant is likely to be disruptive. In summary, the available evidence is currently insufficient to determine the role of this variant in disease. Therefore, it has been classified as a Variant of Uncertain Significance.